The following is an entry in ClinVar:

ClinVar aggregate classification (germline): Uncertain significance. Review status: criteria provided, multiple submitters, no conflicts (2 of 4 stars). 2 submissions from 2 submitters: Uncertain significance (2). Last evaluated 2026-02-25.

Conditions:
Intellectual disability, autosomal recessive 53 (NEDHSCA). Also called: GLYCOSYLPHOSPHATIDYLINOSITOL BIOSYNTHESIS DEFECT 13; Mental retardation, autosomal recessive 53; NEURODEVELOPMENTAL DISORDER WITH OR WITHOUT HYPOTONIA, SEIZURES, AND CEREBELLAR ATROPHY. Identifiers: Orphanet 488635, MedGen C4310794, MONDO:0014832, OMIM 616917.

Allele frequency attached by ClinVar (database versions not stated): gnomAD exomes 0.00001 and 0.00004; TOPMed 0.00003; ExAC 0.00005; gnomAD 0.00006.
gnomAD v4.1: 25 of 1,550,780 alleles (0.0016%); highest among the groups gnomAD compares: Non-Finnish European, 0.0021%; no homozygotes.

Submissions (2):

GeneDx
Classification: Uncertain significance. Last evaluated: 2026-02-25. Review status: criteria provided, single submitter. Criteria: GeneDx Variant Classification Process June 2021. Collection method: clinical testing. Allele origin: germline.
Comment: Not observed at significant frequency in large population cohorts (gnomAD); In silico analysis supports that this missense variant has a deleterious effect on protein structure/function; Has not been previously published as pathogenic or benign to our knowledge

Labcorp Genetics (formerly Invitae), Labcorp
Classification: Uncertain significance for Intellectual disability, autosomal recessive 53. Last evaluated: 2023-10-03. Review status: criteria provided, single submitter. Criteria: Invitae Variant Classification Sherloc (09022015). Collection method: clinical testing. Allele origin: germline.
Comment: This sequence change replaces histidine, which is basic and polar, with tyrosine, which is neutral and polar, at codon 680 of the PIGG protein (p.His680Tyr). This variant is present in population databases (rs762639311, gnomAD 0.008%). This variant has not been reported in the literature in individuals affected with PIGG-related conditions. ClinVar contains an entry for this variant (Variation ID: 1435923). Advanced modeling of protein sequence and biophysical properties (such as structural, functional, and spatial information, amino acid conservation, physicochemical variation, residue mobility, and thermodynamic stability) performed at Invitae indicates that this missense variant is expected to disrupt PIGG protein function. In summary, the available evidence is currently insufficient to determine the role of this variant in disease. Therefore, it has been classified as a Variant of Uncertain Significance.

NM_001127178.3(PIGG):c.2038C>T (p.His680Tyr)

Gene: PIGG (phosphatidylinositol glycan anchor biosynthesis class G (EMM blood group); plus strand). Cytogenetic location: 4p16.3.
Variant type: single nucleotide variant.
Coding change: c.2038C>T on transcript NM_001127178.3 (MANE Select); coding-DNA position 2038, C replaced by T.
Protein change: p.His680Tyr; replaces histidine 680 with tyrosine.
Molecular consequence: missense variant. On other transcripts: non-coding transcript variant (6).
Genome position (GRCh38, 1-based): chr4:523,882, C>T. VCF-style: chr4-523882-C-T. GRCh37 (hg19) VCF-style: chr4-517671-C-T.
Other names: c.1771C>T, p.His591Tyr (NM_001289051.2, NM_001345986.2); c.1639C>T, p.His547Tyr (NM_001289052.2); c.1747C>T, p.His583Tyr (NM_001345987.2); c.1009C>T, p.His337Tyr (NM_001345988.2); c.505C>T, p.His169Tyr (NM_001345990.2, NM_001345991.2); c.940C>T, p.His314Tyr (NM_001345994.2); c.2014C>T, p.His672Tyr (NM_017733.5); c.2038C>T (NM_001127178.2); short protein forms H169Y, H547Y, H591Y, H314Y, H337Y, H680Y, H583Y, H672Y.
Identifiers: ClinVar variation 1435923 (VCV001435923.9), dbSNP rs762639311, ClinGen allele CA2793507.
Genomic context (GRCh38, chr4:523,882, plus strand): 5'-CTAATACTGGCCTGCTGCCGGCTGCTGCGCTCCCTAAACCAGACAGGTGTGCAGTGGGCT[C>T]ACCGGCCTGACCTCGGCCACTGGCTCACCAGGTGAGAGCGTAGGCCCGTGGCCACAGGCC-3'
Protein context (NP_001120650.1, residues 670-690): SLNQTGVQWA[His680Tyr]RPDLGHWLTS